The following is an entry in ClinVar:

ClinVar aggregate classification (germline): Pathogenic (1 of 4 stars; one submission).

Conditions:
Hereditary cancer-predisposing syndrome. Also called: Tumor predisposition; Hereditary Cancer Syndrome; Hereditary neoplastic syndrome; Neoplastic Syndromes, Hereditary. Identifiers: Orphanet 140162, MedGen C0027672, MeSH D009386, MONDO:0015356.

Submission:

Labcorp Genetics (formerly Invitae), Labcorp
Classification: Pathogenic for Hereditary cancer-predisposing syndrome. Last evaluated: 2021-10-18. Review status: criteria provided, single submitter. Criteria: Invitae Variant Classification Sherloc (09022015). Collection method: clinical testing. Allele origin: germline.
Comment: This variant is not present in population databases (ExAC no frequency). For these reasons, this variant has been classified as Pathogenic. This variant has not been reported in the literature in individuals with RAD50-related conditions. This sequence change creates a premature translational stop signal (p.Lys803*) in the RAD50 gene. It is expected to result in an absent or disrupted protein product. Loss-of-function variants in RAD50 are known to be pathogenic (PMID: 16385572, 19409520).

Literature cited by the submitters: PubMed 16385572; PubMed 19409520.

NM_005732.4(RAD50):c.2407A>T (p.Lys803Ter)

Gene: RAD50 (RAD50 double strand break repair protein; plus strand). Cytogenetic location: 5q31.1.
Variant type: single nucleotide variant.
Coding change: c.2407A>T on transcript NM_005732.4 (MANE Select); coding-DNA position 2407, A replaced by T.
Protein change: p.Lys803Ter; replaces lysine 803 with a stop codon.
Molecular consequence: nonsense.
Genome position (GRCh38, 1-based): chr5:132,603,929, A>T. VCF-style: chr5-132603929-A-T. GRCh37 (hg19) VCF-style: chr5-131939621-A-T.
Other names: short protein forms K803*.
Identifiers: ClinVar variation 1443430 (VCV001443430.6), dbSNP rs2149847228, ClinGen allele CA360955325.
Genomic context (GRCh38, chr5:132,603,929, plus strand): 5'-TGAATAATGCAGTAAGTTTATTAAAGGAAATCATTTTGTTATATTCTTAAGATGGAACTT[A>T]AAGATGTTGAAAGAAAAATTGCACAACAAGCAGCTAAGCTACAAGGAATAGACTTAGATC-3'